The following is an entry in ClinVar:

ClinVar aggregate classification (germline): Uncertain significance (1 of 4 stars; one submission).

Allele frequency attached by ClinVar (database versions not stated): gnomAD exomes below 0.00001.

Submission:

Labcorp Genetics (formerly Invitae), Labcorp
Classification: Uncertain significance. Last evaluated: 2022-04-30. Review status: criteria provided, single submitter. Criteria: Invitae Variant Classification Sherloc (09022015). Collection method: clinical testing. Allele origin: germline.
Comment: In summary, the available evidence is currently insufficient to determine the role of this variant in disease. Therefore, it has been classified as a Variant of Uncertain Significance. Algorithms developed to predict the effect of missense changes on protein structure and function are either unavailable or do not agree on the potential impact of this missense change (SIFT: "Tolerated"; PolyPhen-2: "Not Available"; Align-GVGD: "Class C0"). This sequence change replaces methionine, which is neutral and non-polar, with isoleucine, which is neutral and non-polar, at codon 1382 of the CLTC protein (p.Met1382Ile). This variant is not present in population databases (gnomAD no frequency). This variant has not been reported in the literature in individuals affected with CLTC-related conditions.

NM_004859.4(CLTC):c.4134G>C (p.Met1378Ile)

Genes: CLTC (clathrin heavy chain; plus strand), LOC126862609 (CDK7 strongly-dependent group 2 enhancer GRCh37_chr17:57760547-57761746; plus strand). Cytogenetic location: 17q23.1.
Variant type: single nucleotide variant.
Coding change: c.4134G>C on transcript NM_004859.4 (MANE Select); coding-DNA position 4134, G replaced by C.
Protein change: p.Met1378Ile; replaces methionine 1378 with isoleucine.
Molecular consequence: missense variant.
Genome position (GRCh38, 1-based): chr17:59,683,479, G>C. VCF-style: chr17-59683479-G-C. GRCh37 (hg19) VCF-style: chr17-57760840-G-C.
Other names: c.4146G>C, p.Met1382Ile (NM_001288653.2); short protein forms M1378I, M1382I.
Identifiers: ClinVar variation 2132184 (VCV002132184.4), dbSNP rs2509154739, ClinGen allele CA400420641.